The following is an entry in ClinVar:

ClinVar aggregate classification (germline): Uncertain significance. Review status: criteria provided, multiple submitters, no conflicts (2 of 4 stars). 3 submissions from 3 submitters: Uncertain significance (3). Last evaluated 2022-07-08.

Allele frequency attached by ClinVar (database versions not stated): gnomAD 0.00001; gnomAD exomes 0.00002 and 0.00005; TOPMed 0.00002; ExAC 0.00007.
gnomAD v4.1: 32 of 1,587,230 alleles (0.002%); highest among the groups gnomAD compares: South Asian, 0.029%; 1 homozygote.

Submissions (3):

Labcorp Genetics (formerly Invitae), Labcorp
Classification: Uncertain significance. Last evaluated: 2022-07-08. Review status: criteria provided, single submitter. Criteria: Invitae Variant Classification Sherloc (09022015). Collection method: clinical testing. Allele origin: germline.
Comment: This sequence change replaces arginine, which is basic and polar, with tryptophan, which is neutral and slightly polar, at codon 330 of the TSEN54 protein (p.Arg330Trp). The frequency data for this variant in the population databases is considered unreliable, as metrics indicate poor data quality at this position in the gnomAD database. This variant has not been reported in the literature in individuals affected with TSEN54-related conditions. Algorithms developed to predict the effect of missense changes on protein structure and function are either unavailable or do not agree on the potential impact of this missense change (SIFT: "Deleterious"; PolyPhen-2: "Probably Damaging"; Align-GVGD: "Class C0"). In summary, the available evidence is currently insufficient to determine the role of this variant in disease. Therefore, it has been classified as a Variant of Uncertain Significance.

GeneDx
Classification: Uncertain significance. Last evaluated: 2022-02-01. Review status: criteria provided, single submitter. Criteria: GeneDx Variant Classification Process June 2021. Collection method: clinical testing. Allele origin: germline. Affected: yes.
Comment: In silico analysis supports that this missense variant has a deleterious effect on protein structure/function; Has not been previously published as pathogenic or benign to our knowledge

Revvity Omics, Revvity
Classification: Uncertain significance. Last evaluated: 2020-09-18. Review status: criteria provided, single submitter. Criteria: ACMG Guidelines, 2015. Collection method: clinical testing. Allele origin: germline.

NM_207346.3(TSEN54):c.988C>T (p.Arg330Trp)

Gene: TSEN54 (tRNA splicing endonuclease subunit 54; plus strand). Cytogenetic location: 17q25.1.
Variant type: single nucleotide variant.
Coding change: c.988C>T on transcript NM_207346.3 (MANE Select); coding-DNA position 988, C replaced by T.
Protein change: p.Arg330Trp; replaces arginine 330 with tryptophan.
Molecular consequence: missense variant.
Genome position (GRCh38, 1-based): chr17:75,522,069, C>T. VCF-style: chr17-75522069-C-T. GRCh37 (hg19) VCF-style: chr17-73518150-C-T.
Other names: short protein forms R330W.
Identifiers: ClinVar variation 1699689 (VCV001699689.6), dbSNP rs748429211, ClinGen allele CA8764317.